The following is an entry in ClinVar:

NM_001347721.2(DYRK1A):c.2198G>A (p.Gly733Glu)

Gene: DYRK1A (dual specificity tyrosine phosphorylation regulated kinase 1A; plus strand). Cytogenetic location: 21q22.13.
Variant type: single nucleotide variant.
Coding change: c.2198G>A on transcript NM_001347721.2 (MANE Select); coding-DNA position 2198, G replaced by A.
Protein change: p.Gly733Glu; replaces glycine 733 with glutamic acid.
Molecular consequence: missense variant. On other transcripts: 3 prime UTR variant (2).
Genome position (GRCh38, 1-based): chr21:37,512,464, G>A. VCF-style: chr21-37512464-G-A. GRCh37 (hg19) VCF-style: chr21-38884767-G-A.
Other names: c.2198G>A, p.Gly733Glu (NM_001347722.2, NM_130436.2); c.2111G>A, p.Gly704Glu (NM_001347723.2); c.2225G>A, p.Gly742Glu (NM_001396.5); c.*601G>A (NM_101395.2); c.*510G>A (NM_130438.2); short protein forms G733E, G704E, G742E.
Identifiers: ClinVar variation 4774571 (VCV004774571.1).

ClinVar aggregate classification (germline): Uncertain significance (1 of 4 stars; one submission).

Conditions:
DYRK1A-related intellectual disability syndrome (MRD7). Also called: DYRK1A Syndrome; Intellectual developmental disorder, autosomal dominant 7. Identifiers: Orphanet 464306, MedGen C5568143, MONDO:0013578, OMIM 614104.

gnomAD v4.1: 8 of 1,614,096 alleles (0.0005%); highest among the groups gnomAD compares: African/African-American, 0.0067%; no homozygotes.

Submission:

Labcorp Genetics (formerly Invitae), Labcorp
Classification: Uncertain significance for DYRK1A-related intellectual disability syndrome. Last evaluated: 2025-12-08. Review status: criteria provided, single submitter. Criteria: Invitae Variant Classification Sherloc (09022015). Collection method: clinical testing. Allele origin: germline.
Comment: This sequence change replaces glycine, which is neutral and non-polar, with glutamic acid, which is acidic and polar, at codon 742 of the DYRK1A protein (p.Gly742Glu). This variant is present in population databases (rs749887051, gnomAD 0.02%). This variant has not been reported in the literature in individuals affected with DYRK1A-related conditions. Invitae Evidence Modeling of protein sequence and biophysical properties (such as structural, functional, and spatial information, amino acid conservation, physicochemical variation, residue mobility, and thermodynamic stability) indicates that this missense variant is not expected to disrupt DYRK1A protein function with a negative predictive value of 95%. In summary, the available evidence is currently insufficient to determine the role of this variant in disease. Therefore, it has been classified as a Variant of Uncertain Significance.